The following is an entry in ClinVar:

ClinVar aggregate classification (germline): Uncertain significance. Review status: criteria provided, multiple submitters, no conflicts (2 of 4 stars). 2 submissions from 2 submitters: Uncertain significance (2). Last evaluated 2025-09-05.

Allele frequency attached by ClinVar (database versions not stated): ExAC 0.00002; gnomAD exomes 0.00001; TOPMed 0.00001; gnomAD 0.00002; ESP Exome Variant Server 0.00008.
gnomAD v4.1: 24 of 1,603,748 alleles (0.0015%); highest among the groups gnomAD compares: Middle Eastern, 0.033%; no homozygotes.

Submissions (3):

Mayo Clinic Laboratories, Mayo Clinic
Classification: Uncertain significance. Last evaluated: 2025-09-05. Review status: criteria provided, single submitter. Criteria: ACMG Guidelines, 2015. Collection method: clinical testing. Allele origin: germline. Observed: 2 variant alleles.
Comment: BP4, PM2_moderate

Labcorp Genetics (formerly Invitae), Labcorp
Classification: Uncertain significance. Last evaluated: 2022-08-01. Review status: criteria provided, single submitter. Criteria: Invitae Variant Classification Sherloc (09022015). Collection method: clinical testing. Allele origin: germline.
Comment: This sequence change falls in intron 10 of the GPAA1 gene. It does not directly change the encoded amino acid sequence of the GPAA1 protein. It affects a nucleotide within the consensus splice site. This variant is present in population databases (rs376474105, gnomAD 0.007%). This variant has not been reported in the literature in individuals affected with GPAA1-related conditions. Variants that disrupt the consensus splice site are a relatively common cause of aberrant splicing (PMID: 17576681, 9536098). Algorithms developed to predict the effect of sequence changes on RNA splicing suggest that this variant may disrupt the consensus splice site. In summary, the available evidence is currently insufficient to determine the role of this variant in disease. Therefore, it has been classified as a Variant of Uncertain Significance.

Dr. Peter K. Rogan Lab, Western University
No classification provided (evidence only). Condition: Chronic lymphocytic leukemia/small lymphocytic lymphoma. Review status: no classification provided. Collection method: in vitro. Allele origin: not applicable. Functional consequence: skipped exon, retained intron. Not counted in ClinVar's aggregate classification.

Literature cited by the submitters: PubMed 17576681 (cited by Labcorp Genetics (formerly Invitae), Labcorp); PubMed 9536098 (cited by Labcorp Genetics (formerly Invitae), Labcorp).

NM_003801.4(GPAA1):c.1451+5G>A

Gene: GPAA1 (glycosylphosphatidylinositol anchor attachment 1; plus strand). Cytogenetic location: 8q24.3.
Variant type: single nucleotide variant.
Coding change: c.1451+5G>A on transcript NM_003801.4 (MANE Select); 5 bases into the intron after coding-DNA position 1451, G replaced by A.
Molecular consequence: intron variant.
Genome position (GRCh38, 1-based): chr8:144,085,484, G>A. VCF-style: chr8-144085484-G-A. GRCh37 (hg19) VCF-style: chr8-145140387-G-A.
Identifiers: ClinVar variation 2176611 (VCV002176611.4), dbSNP rs376474105, ClinGen allele CA4933158.
Genomic context (GRCh38, chr8:144,085,484, plus strand): 5'-CTGACACTGCTGGCGATTTATGCAGCTGGCCTGGCCCTGCCCCACAATACCCACCGGTAA[G>A]AGGCTGGGCTGGTTGTTGGGGGCAGGGGTAGAGGTCCCCTGGACATGCAGACAGCTTGTG-3'